The following is an entry in ClinVar:

ClinVar aggregate classification (germline): Conflicting classifications of pathogenicity. Review status: criteria provided, conflicting classifications (1 of 4 stars). 11 submissions from 11 submitters: Uncertain significance (4); Likely benign (5). 2 of the submissions do not count toward it. Last evaluated 2026-01-26.

Conditions:
Hereditary breast ovarian cancer syndrome. Also called: Breast and ovarian cancer; Hereditary breast and ovarian cancer; Hereditary breast and ovarian cancer syndrome; BRCA1- and BRCA2-Associated Hereditary Breast and Ovarian Cancer; Hereditary breast and ovarian cancer syndrome (HBOC); Hereditary breast and/or ovarian cancer syndrome. Identifiers: Orphanet 145, MedGen C0677776, MeSH D061325, MONDO:0003582. Disease mechanism: loss of function.
Hereditary cancer-predisposing syndrome. Also called: Tumor predisposition; Hereditary Cancer Syndrome; Neoplastic Syndromes, Hereditary; Hereditary neoplastic syndrome. Identifiers: Orphanet 140162, MedGen C0027672, MeSH D009386, MONDO:0015356.
Breast-ovarian cancer, familial, susceptibility to, 2 (BROVCA2). Also called: BRCA2 Hereditary Breast and Ovarian Cancer. Identifiers: Orphanet 145, MedGen C2675520, MONDO:0012933, OMIM 612555. Disease mechanism: loss of function.

Allele frequency attached by ClinVar (database versions not stated): gnomAD 0.00002 and 0.00001; gnomAD exomes below 0.00001; TOPMed below 0.00001.
gnomAD v4.1: 5 of 1,613,854 alleles (0.00031%); highest among the groups gnomAD compares: African/African-American, 0.0053%; no homozygotes.

Submissions (11):

Labcorp Genetics (formerly Invitae), Labcorp
Classification: Likely benign for Hereditary breast ovarian cancer syndrome. Last evaluated: 2026-01-26. Review status: criteria provided, single submitter. Criteria: Invitae Variant Classification Sherloc (09022015). Collection method: clinical testing. Allele origin: germline.

GeneDx
Classification: Uncertain significance. Last evaluated: 2025-04-21. Review status: criteria provided, single submitter. Criteria: GeneDx Variant Classification Process June 2021. Collection method: clinical testing. Allele origin: germline. Affected: yes.
Comment: Observed in individuals with a personal and/or family history of breast and/or ovarian cancer (PMID: 31159747); In silico analysis supports that this missense variant does not alter protein structure/function; Not observed at significant frequency in large population cohorts (gnomAD); Also known as 6149C>T; This variant is associated with the following publications: (PMID: 31911673, 29884841, 32377563, 31159747)

All of Us Research Program, National Institutes of Health
Classification: Likely benign for Breast-ovarian cancer, familial, susceptibility to, 2. Last evaluated: 2023-12-13. Review status: criteria provided, single submitter. Criteria: ACMG Guidelines, 2015. Collection method: clinical testing. Allele origin: germline. Inheritance: Autosomal dominant inheritance. Observed: 1 variant allele, 1 heterozygote.
Comment: This study involves interpretation of variants in research participants for the purpose of population health screening. Participant phenotype was not available at the time of variant classification. Additional details can be found in publication PMID: 35346344, PMCID: PMC8962531

Women's Health and Genetics/Laboratory Corporation of America, LabCorp
Classification: Uncertain significance. Last evaluated: 2023-11-08. Review status: criteria provided, single submitter. Criteria: LabCorp Variant Classification Summary - May 2015. Collection method: clinical testing. Allele origin: germline.
Comment: Variant summary: BRCA2 c.5921C>T (p.Thr1974Ile) results in a non-conservative amino acid change in the encoded protein sequence. Four of five in-silico tools predict a benign effect of the variant on protein function. The variant allele was found at a frequency of 4e-06 in 250828 control chromosomes (gnomAD). The available data on variant occurrences in the general population are insufficient to allow any conclusion about variant significance. c.5921C>T has been reported in the literature as a VUS in at-least one individual undergoing a multigene panel for hereditary cancer (example, Tsaousis_2019). This report does not provide unequivocal conclusions about association of the variant with Hereditary Breast And Ovarian Cancer Syndrome. To our knowledge, no experimental evidence demonstrating an impact on protein function has been reported. The following publication has been ascertained in the context of this evaluation (PMID: 31159747). Eight clinical diagnostic laboratories have submitted clinical-significance assessments for this variant to ClinVar after 2014. Multiple laboratories reported the variant with conflicting assessments (likely benign, n=4; VUS, n=4). Based on the evidence outlined above, the variant was classified as uncertain significance until additional unequivocal evidence supporting a non-actionable outcome are reported/identified.

University of Washington Department of Laboratory Medicine, University of Washington
Classification: Likely benign for Hereditary cancer-predisposing syndrome. Last evaluated: 2023-03-23. Review status: criteria provided, single submitter. Criteria: Dines et al. (Genet Med. 2020). Collection method: curation. Allele origin: germline.
Comment: Missense variant in a coldspot region where missense variants are very unlikely to be pathogenic (PMID:31911673).

BRCA2 exon 11 coldspot. Reclassification based on statistical prior probability.

Quest Diagnostics Nichols Institute San Juan Capistrano
Classification: Uncertain significance. Last evaluated: 2021-04-05. Review status: criteria provided, single submitter. Criteria: Quest Diagnostics criteria. Collection method: clinical testing. Allele origin: unknown.

GeneKor MSA
Classification: Uncertain significance for Hereditary cancer-predisposing syndrome. Last evaluated: 2018-08-01. Review status: criteria provided, single submitter. Criteria: ACMG Guidelines, 2015. Collection method: clinical testing. Allele origin: germline. Affected: no.

Color Diagnostics, LLC DBA Color Health
Classification: Likely benign for Hereditary cancer-predisposing syndrome. Last evaluated: 2018-04-27. Review status: criteria provided, single submitter. Criteria: ACMG Guidelines, 2015. Collection method: clinical testing. Allele origin: germline.

Ambry Genetics
Classification: Likely benign for Hereditary cancer-predisposing syndrome. Last evaluated: 2016-04-07. Review status: criteria provided, single submitter. Criteria: Ambry Variant Classification Scheme 2023. Collection method: clinical testing. Allele origin: germline.

Counsyl
Classification: Uncertain significance for Breast-ovarian cancer, familial, susceptibility to, 2. Last evaluated: 2017-01-04. Review status: no assertion criteria provided. Collection method: clinical testing. Allele origin: unknown. Not counted in ClinVar's aggregate classification.

Sharing Clinical Reports Project (SCRP)
Classification: Likely benign for Breast-ovarian cancer, familial 2. Last evaluated: 2009-12-07. Review status: no assertion criteria provided. Collection method: clinical testing. Allele origin: germline. Not counted in ClinVar's aggregate classification.

Literature cited by the submitters: PubMed 31159747 (cited by Women's Health and Genetics/Laboratory Corporation of America, LabCorp).

NM_000059.4(BRCA2):c.5921C>T (p.Thr1974Ile)

Gene: BRCA2 (BRCA2 DNA repair associated; plus strand). Cytogenetic location: 13q13.1.
Variant type: single nucleotide variant.
Coding change: c.5921C>T on transcript NM_000059.4 (MANE Select); coding-DNA position 5921, C replaced by T.
Protein change: p.Thr1974Ile; replaces threonine 1974 with isoleucine.
Molecular consequence: missense variant.
Genome position (GRCh38, 1-based): chr13:32,340,276, C>T. VCF-style: chr13-32340276-C-T. GRCh37 (hg19) VCF-style: chr13-32914413-C-T.
Other names: 6149C>T; short protein forms T1974I.
Identifiers: ClinVar variation 91428 (VCV000091428.28), dbSNP rs55730620, ClinGen allele CA023368.
Genomic context (GRCh38, chr13:32,340,276, plus strand): 5'-CTTCAGATATATGTAAATGTAGTATAGGGAAGCTTCATAAGTCAGTCTCATCTGCAAATA[C>T]TTGTGGGATTTTTAGCACAGCAAGTGGAAAATCTGTCCAGGTATCAGATGCTTCATTACA-3'
Protein context (NP_000050.3, residues 1964-1984): KLHKSVSSAN[Thr1974Ile]CGIFSTASGK